The following is an entry in ClinVar:

NM_004104.5(FASN):c.1789G>A (p.Glu597Lys)

Gene: FASN (fatty acid synthase; minus strand). Cytogenetic location: 17q25.3.
Variant type: single nucleotide variant.
Coding change: c.1789G>A on transcript NM_004104.5 (MANE Select); coding-DNA position 1789, G replaced by A.
Protein change: p.Glu597Lys; replaces glutamic acid 597 with lysine.
Molecular consequence: missense variant.
Genome position (GRCh38, 1-based): chr17:82,090,456, C>T on the plus strand (G>A on the coding strand, the complement: FASN is on the minus strand). VCF-style: chr17-82090456-C-T. GRCh37 (hg19) VCF-style: chr17-80048332-C-T.
Other names: short protein forms E597K.
Identifiers: ClinVar variation 580525 (VCV000580525.6), dbSNP rs527938822, ClinGen allele CA8853026.

ClinVar aggregate classification (germline): Uncertain significance. Review status: criteria provided, multiple submitters, no conflicts (2 of 4 stars). 2 submissions from 2 submitters: Uncertain significance (2). Last evaluated 2025-08-30.

Conditions:
Epileptic encephalopathy. Identifiers: MedGen C0543888, HP:0200134.

Allele frequency attached by ClinVar (database versions not stated): gnomAD 0.00001 and 0.00003; gnomAD exomes 0.00002 and 0.00003; ExAC 0.00003; TOPMed 0.00005; 1000 Genomes Project 30x 0.00016; 1000 Genomes Project 0.00020.
gnomAD v4.1: 32 of 1,607,216 alleles (0.002%); highest among the groups gnomAD compares: East Asian, 0.063%; no homozygotes.

Submissions (2):

Labcorp Genetics (formerly Invitae), Labcorp
Classification: Uncertain significance for Epileptic encephalopathy. Last evaluated: 2025-08-30. Review status: criteria provided, single submitter. Criteria: Invitae Variant Classification Sherloc (09022015). Collection method: clinical testing. Allele origin: germline.
Comment: This sequence change replaces glutamic acid, which is acidic and polar, with lysine, which is basic and polar, at codon 597 of the FASN protein (p.Glu597Lys). This variant is present in population databases (rs527938822, gnomAD 0.02%). This variant has not been reported in the literature in individuals affected with FASN-related conditions. ClinVar contains an entry for this variant (Variation ID: 580525). An algorithm developed to predict the effect of missense changes on protein structure and function (PolyPhen-2) suggests that this variant is likely to be disruptive. In summary, the available evidence is currently insufficient to determine the role of this variant in disease. Therefore, it has been classified as a Variant of Uncertain Significance.

Ambry Genetics
Classification: Uncertain significance. Last evaluated: 2023-09-22. Review status: criteria provided, single submitter. Criteria: Ambry Variant Classification Scheme 2023. Collection method: clinical testing. Allele origin: germline.